The following is an entry in ClinVar:

NM_000138.5(FBN1):c.3082+2T>C

Gene: FBN1 (fibrillin 1; minus strand). Cytogenetic location: 15q21.1.
Variant type: single nucleotide variant.
Coding change: c.3082+2T>C on transcript NM_000138.5 (MANE Select); the canonical splice donor site of the intron after coding-DNA position 3082, T replaced by C.
Molecular consequence: splice donor variant.
Genome position (GRCh38, 1-based): chr15:48,489,849, A>G on the plus strand (T>C on the coding strand, the complement: FBN1 is on the minus strand). VCF-style: chr15-48489849-A-G. GRCh37 (hg19) VCF-style: chr15-48782046-A-G.
Other names: c.3082+2T>C (NM_001406716.1).
Identifiers: ClinVar variation 2942126 (VCV002942126.3), dbSNP rs2505557469, ClinGen allele CA392328837.

ClinVar aggregate classification (germline): Pathogenic (1 of 4 stars; one submission).

Conditions:
Marfan syndrome (MFS). Also called: MARFAN SYNDROME, TYPE I; Marfan syndrome type 1; Marfan's syndrome; Marfan syndrome, classic; FBN1-Related Marfan Syndrome. Identifiers: Orphanet 284963, Orphanet 558, MedGen C0024796, MONDO:0007947, OMIM 154700.
Familial thoracic aortic aneurysm and aortic dissection (TAAD). Also called: Thoracic aortic aneurysms and dissections. Identifiers: Orphanet 91387, MedGen C4707243, MONDO:0019625.

Submission:

Labcorp Genetics (formerly Invitae), Labcorp
Classification: Pathogenic for Marfan syndrome; Familial thoracic aortic aneurysm and aortic dissection. Last evaluated: 2023-01-06. Review status: criteria provided, single submitter. Criteria: Invitae Variant Classification Sherloc (09022015). Collection method: clinical testing. Allele origin: germline.
Comment: For these reasons, this variant has been classified as Pathogenic. Algorithms developed to predict the effect of sequence changes on RNA splicing suggest that this variant may disrupt the consensus splice site. Disruption of this splice site has been observed in individuals with Marfan syndrome (PMID: 11175294, 31163209). This variant is not present in population databases (gnomAD no frequency). This sequence change affects a donor splice site in intron 25 of the FBN1 gene. It is expected to disrupt RNA splicing. Variants that disrupt the donor or acceptor splice site typically lead to a loss of protein function (PMID: 16199547), and loss-of-function variants in FBN1 are known to be pathogenic (PMID: 17657824, 19293843).

Literature cited by the submitters: PubMed 11175294; PubMed 31163209; PubMed 16199547; PubMed 17657824; PubMed 19293843.